The following is an entry in ClinVar:

NM_001182.5(ALDH7A1):c.1181C>T (p.Thr394Ile)

Gene: ALDH7A1 (aldehyde dehydrogenase 7 family member A1; minus strand). Cytogenetic location: 5q23.2.
Variant type: single nucleotide variant.
Coding change: c.1181C>T on transcript NM_001182.5 (MANE Select); coding-DNA position 1181, C replaced by T.
Protein change: p.Thr394Ile; replaces threonine 394 with isoleucine.
Molecular consequence: missense variant. On other transcripts: intron variant (1).
Genome position (GRCh38, 1-based): chr5:126,554,306, G>A on the plus strand (C>T on the coding strand, the complement: ALDH7A1 is on the minus strand). VCF-style: chr5-126554306-G-A. GRCh37 (hg19) VCF-style: chr5-125889998-G-A.
Other names: c.1097C>T, p.Thr366Ile (NM_001201377.2); c.1009-2169C>T (NM_001202404.2); short protein forms T394I, T366I.
Identifiers: ClinVar variation 2228337 (VCV002228337.2), dbSNP rs2480263072, ClinGen allele CA360723769.
Genomic context (GRCh38, chr5:126,554,306, plus strand): 5'-GGTTAAAAAGCTGTCACAATTGATCTCAGAGCATCCCTTACCTTGCCCCCATAGACCACT[G>A]TGCCACCTTCTTTCTTTGCTTCTTCCACTGCTCCAAGAAACATGCTCACTGCCTGCTTGG-3'
Protein context (NP_001173.2, residues 384-404): AVEEAKKEGG[Thr394Ile]VVYGGKVMDR

ClinVar aggregate classification (germline): Uncertain significance (1 of 4 stars; one submission).

Conditions:
Inborn genetic diseases. Identifiers: MedGen C0950123, MeSH D030342.

Submission:

Ambry Genetics
Classification: Uncertain significance for Inborn genetic diseases. Last evaluated: 2020-12-03. Review status: criteria provided, single submitter. Criteria: Ambry Variant Classification Scheme 2023. Collection method: clinical testing. Allele origin: germline.
Comment: The c.1181C>T (p.T394I) alteration is located in exon 13 (coding exon 13) of the ALDH7A1 gene. This alteration results from a C to T substitution at nucleotide position 1181, causing the threonine (T) at amino acid position 394 to be replaced by an isoleucine (I). The p.T394I alteration is predicted to be tolerated by in silico analysis. Based on insufficient or conflicting evidence, the clinical significance of this alteration remains unclear.